The following is an entry in ClinVar:

NM_004991.4(MECOM):c.1256C>T (p.Ser419Phe)

Gene: MECOM (MDS1 and EVI1 complex locus; minus strand). Cytogenetic location: 3q26.2.
Variant type: single nucleotide variant.
Coding change: c.1256C>T on transcript NM_004991.4 (MANE Select); coding-DNA position 1256, C replaced by T.
Protein change: p.Ser419Phe; replaces serine 419 with phenylalanine.
Molecular consequence: missense variant. On other transcripts: intron variant (2).
Genome position (GRCh38, 1-based): chr3:169,116,616, G>A on the plus strand (C>T on the coding strand, the complement: MECOM is on the minus strand). VCF-style: chr3-169116616-G-A. GRCh37 (hg19) VCF-style: chr3-168834404-G-A.
Other names: c.887C>T, p.Ser296Phe (NM_001105077.4); c.692C>T, p.Ser231Phe (NM_001105078.4, NM_001164000.2, NM_001205194.2 and 4 more transcripts); c.695C>T, p.Ser232Phe (NM_001163999.2, NM_001366467.2, NM_001366468.2 and 1 more transcripts); c.1256C>T, p.Ser419Phe (NM_001366466.2); c.1133-849C>T (NM_001366473.2); c.569-849C>T (NM_001366474.2); short protein forms S231F, S232F, S296F, S419F.
Identifiers: ClinVar variation 1703773 (VCV001703773.1), dbSNP rs1449004579, ClinGen allele CA355063525.

ClinVar aggregate classification (germline): Uncertain significance (1 of 4 stars; one submission).

Conditions:
Radioulnar synostosis with amegakaryocytic thrombocytopenia 2 (RUSAT2). Also called: RADIOULNAR SYNOSTOSIS AND AMEGAKARYOCYTIC THROMBOCYTOPENIA 2. Identifiers: Orphanet 71289, MedGen C4225221, MONDO:0014758, OMIM 616738.

Allele frequency attached by ClinVar (database versions not stated): TOPMed below 0.00001.

Submission:

ISTH-SSC Genomics in Thrombosis and Hemostasis, KU Leuven, Center for Molecular and Vascular Biology
Classification: Uncertain significance for Radioulnar synostosis with amegakaryocytic thrombocytopenia 2. Review status: criteria provided, single submitter. Criteria: ACMG Guidelines, 2015. Collection method: clinical testing. Allele origin: germline. Affected: yes. Observed: 1 heterozygote.
Comment: Submitted to GoldVariant by Kathleen Freson, Center for Molecular and Vascular Biology, Leuven, Belgium